The following is an entry in ClinVar:

ClinVar aggregate classification (germline): Uncertain significance (1 of 4 stars; one submission).

Conditions:
SLC26A4-related disorder. Also called: SLC26A4-related disorders; SLC26A4-related condition.

gnomAD v4.1: 3 of 1,613,924 alleles (0.00019%); highest among the groups gnomAD compares: East Asian, 0.0022%; no homozygotes.

Submission:

PreventionGenetics, part of Exact Sciences
Classification: Uncertain significance for SLC26A4-related condition. Last evaluated: 2025-09-03. Review status: criteria provided, single submitter. Criteria: ACMG Guidelines, 2015. Collection method: clinical testing. Allele origin: germline.
Comment: The SLC26A4 c.718C>T variant is predicted to result in the amino acid substitution p.Leu240Phe. This variant was reported in homozygous state in an individual with congenital hypothyroidism (Table S2, Kara et al. 2023. PubMed ID: 36913313). This variant has not been reported in a large population database (gnomAD), indicating this variant is rare. At this time, the clinical significance of this variant is uncertain due to the absence of conclusive functional and genetic evidence.

NM_000441.2(SLC26A4):c.718C>T (p.Leu240Phe)

Gene: SLC26A4 (solute carrier family 26 member 4; plus strand). Cytogenetic location: 7q22.3.
Variant type: single nucleotide variant.
Coding change: c.718C>T on transcript NM_000441.2 (MANE Select); coding-DNA position 718, C replaced by T.
Protein change: p.Leu240Phe; replaces leucine 240 with phenylalanine.
Molecular consequence: missense variant.
Genome position (GRCh38, 1-based): chr7:107,675,062, C>T. VCF-style: chr7-107675062-C-T. GRCh37 (hg19) VCF-style: chr7-107315507-C-T.
Other names: short protein forms L240F.
Identifiers: ClinVar variation 4985661 (VCV004985661.1).